The following is an entry in ClinVar:

ClinVar aggregate classification (germline): Pathogenic (1 of 4 stars; one submission).

Conditions:
Autosomal recessive nonsyndromic hearing loss 1A (DFNB1A). Also called: GJB6-Related DFNB 1 Nonsyndromic Hearing Loss and Deafness; Deafness, autosomal recessive 1A; GJB2-Related Autosomal Recessive Nonsyndromic Hearing Loss; Nonsyndromic Hearing Loss and Deafness, DFNB1; Connexin 26 deafness; Deafness nonsyndromic, Connexin 26 linked. Identifiers: Orphanet 90636, MedGen C2673759, MONDO:0009076, OMIM 220290.

Submission:

Natera, Inc.
Classification: Pathogenic for Autosomal recessive deafness type 1A. Last evaluated: 2024-07-16. Review status: criteria provided, single submitter. Criteria: Natera Variant Classification Schema (03/2026). Collection method: clinical testing. Allele origin: germline.
Comment: The c.363del variant in GJB2 is a frameshift variant predicted to shift the reading frame beginning at codon 123 and leads to a stop codon 45 codons downstream. This variant is expected to result in nonsense mediated decay, truncation, or a dysfunctional protein product. This variant is rare in the general population with a frequency below the threshold expected for the associated phenotype(s). This variant has been observed in one or more individuals affected with the associated recessive disease, as either homozygous or compound heterozygous with a second variant (PMID: 25149889, 22695344). Given the available evidence, this variant is classified as Pathogenic.

Literature cited by the submitters: PubMed 25149889; PubMed 22695344.

NM_004004.6(GJB2):c.363del (p.Thr123fs)

Gene: GJB2 (gap junction protein beta 2; minus strand). Cytogenetic location: 13q12.11.
Variant type: Deletion.
Coding change: c.363del on transcript NM_004004.6 (MANE Select); coding-DNA position 363, one base deleted (C; older notation c.363delC).
Protein change: p.Thr123fs; shifts the reading frame from threonine 123.
Molecular consequence: frameshift variant.
Genome position (GRCh38, 1-based): chr13:20,189,219, G deleted on the plus strand (C on the coding strand, the reverse complement: GJB2 is on the minus strand). VCF-style (leftmost placement, unchanged base first): chr13-20189218-TG-T. GRCh37 (hg19) VCF-style: chr13-20763357-TG-T.
Other names: short protein forms T123fs.
Identifiers: ClinVar variation 4815290 (VCV004815290.1).